The following is an entry in ClinVar:

ClinVar aggregate classification (germline): Uncertain significance. Review status: criteria provided, multiple submitters, no conflicts (2 of 4 stars). 2 submissions from 2 submitters: Uncertain significance (2). Last evaluated 2022-07-22.

Conditions:
Kindler syndrome (KNDLRS). Also called: Poikiloderma of Kindler; Congenital bullous poikiloderma; BULLOUS ACROKERATOTIC POIKILODERMA OF KINDLER AND WEARY; POIKILODERMA, CONGENITAL, WITH BULLAE, WEARY TYPE; POIKILODERMA, HEREDITARY ACROKERATOTIC; Hereditary acrokeratotic poikiloderma of Weary. Identifiers: Orphanet 2908, Orphanet 306539, MedGen C0406557, MONDO:0008260, OMIM 173650.

Allele frequency attached by ClinVar (database versions not stated): ExAC 0.00001; gnomAD exomes 0.00001 and 0.00002; TOPMed 0.00001.
gnomAD v4.1: 21 of 1,614,154 alleles (0.0013%); highest among the groups gnomAD compares: South Asian, 0.016%; no homozygotes.

Submissions (2):

Labcorp Genetics (formerly Invitae), Labcorp
Classification: Uncertain significance. Last evaluated: 2022-07-22. Review status: criteria provided, single submitter. Criteria: Invitae Variant Classification Sherloc (09022015). Collection method: clinical testing. Allele origin: germline.
Comment: In summary, the available evidence is currently insufficient to determine the role of this variant in disease. Therefore, it has been classified as a Variant of Uncertain Significance. Algorithms developed to predict the effect of missense changes on protein structure and function (SIFT, PolyPhen-2, Align-GVGD) all suggest that this variant is likely to be tolerated. ClinVar contains an entry for this variant (Variation ID: 898910). This variant has not been reported in the literature in individuals affected with FERMT1-related conditions. This variant is present in population databases (rs773618744, gnomAD 0.01%). This sequence change replaces aspartic acid, which is acidic and polar, with asparagine, which is neutral and polar, at codon 665 of the FERMT1 protein (p.Asp665Asn).

Illumina Laboratory Services, Illumina
Classification: Uncertain significance for Kindler syndrome. Last evaluated: 2018-01-12. Review status: criteria provided, single submitter. Criteria: ICSL Variant Classification Criteria 13 December 2019. Collection method: clinical testing. Allele origin: germline.

NM_017671.5(FERMT1):c.1993G>A (p.Asp665Asn)

Gene: FERMT1 (FERM domain containing kindlin 1; minus strand). Cytogenetic location: 20p12.3.
Variant type: single nucleotide variant.
Coding change: c.1993G>A on transcript NM_017671.5 (MANE Select); coding-DNA position 1993, G replaced by A.
Protein change: p.Asp665Asn; replaces aspartic acid 665 with asparagine.
Molecular consequence: missense variant.
Genome position (GRCh38, 1-based): chr20:6,077,214, C>T on the plus strand (G>A on the coding strand, the complement: FERMT1 is on the minus strand). VCF-style: chr20-6077214-C-T. GRCh37 (hg19) VCF-style: chr20-6057861-C-T.
Other names: short protein forms D665N.
Identifiers: ClinVar variation 898910 (VCV000898910.8), dbSNP rs773618744, ClinGen allele CA9757987.